The following is an entry in ClinVar:

ClinVar aggregate classification (germline): Uncertain significance (1 of 4 stars; one submission).

Conditions:
Hereditary cancer-predisposing syndrome. Also called: Tumor predisposition; Hereditary neoplastic syndrome; Hereditary Cancer Syndrome; Neoplastic Syndromes, Hereditary. Identifiers: Orphanet 140162, MedGen C0027672, MeSH D009386, MONDO:0015356.

Submission:

Ambry Genetics
Classification: Uncertain significance for Hereditary cancer-predisposing syndrome. Last evaluated: 2023-11-20. Review status: criteria provided, single submitter. Criteria: Ambry Variant Classification Scheme 2023. Collection method: clinical testing. Allele origin: germline.
Comment: The c.375+4G>C intronic variant results from a G to C substitution 4 nucleotides after coding exon 5 in the BAP1 gene. This nucleotide position is not well conserved in available vertebrate species. In silico splice site analysis predicts that this alteration will not have any significant effect on splicing. Since supporting evidence is limited at this time, the clinical significance of this alteration remains unclear.

NM_004656.4(BAP1):c.375+4G>C

Gene: BAP1 (BRCA1 associated deubiquitinase 1; minus strand). Cytogenetic location: 3p21.1.
Variant type: single nucleotide variant.
Coding change: c.375+4G>C on transcript NM_004656.4 (MANE Select); 4 bases into the intron after coding-DNA position 375, G replaced by C.
Molecular consequence: intron variant.
Genome position (GRCh38, 1-based): chr3:52,407,954, C>G on the plus strand (G>C on the coding strand, the complement: BAP1 is on the minus strand). VCF-style: chr3-52407954-C-G. GRCh37 (hg19) VCF-style: chr3-52441970-C-G.
Other names: c.375+4G>C (NM_001410772.1).
Identifiers: ClinVar variation 3224464 (VCV003224464.1), dbSNP rs371114912, ClinGen allele CA2825001268.